The following is an entry in ClinVar:

ClinVar aggregate classification (germline): Uncertain significance (1 of 4 stars; one submission).

Conditions:
Developmental and epileptic encephalopathy, 12 (DEE12). Identifiers: MedGen C3150988, MONDO:0013389, OMIM 613722.

gnomAD v4.1: 1 of 1,612,652 alleles (0.000062%); highest among the groups gnomAD compares: Non-Finnish European, 0.000085%; no homozygotes.

Submission:

Labcorp Genetics (formerly Invitae), Labcorp
Classification: Uncertain significance for Developmental and epileptic encephalopathy, 12. Last evaluated: 2022-02-19. Review status: criteria provided, single submitter. Criteria: Invitae Variant Classification Sherloc (09022015). Collection method: clinical testing. Allele origin: germline.
Comment: In summary, the available evidence is currently insufficient to determine the role of this variant in disease. Therefore, it has been classified as a Variant of Uncertain Significance. Algorithms developed to predict the effect of missense changes on protein structure and function (SIFT, PolyPhen-2, Align-GVGD) all suggest that this variant is likely to be tolerated. This variant has not been reported in the literature in individuals affected with PLCB1-related conditions. This variant is not present in population databases (gnomAD no frequency). This sequence change replaces glutamic acid, which is acidic and polar, with glutamine, which is neutral and polar, at codon 854 of the PLCB1 protein (p.Glu854Gln).

NM_015192.4(PLCB1):c.2560G>C (p.Glu854Gln)

Gene: PLCB1 (phospholipase C beta 1; plus strand). Cytogenetic location: 20p12.3.
Variant type: single nucleotide variant.
Coding change: c.2560G>C on transcript NM_015192.4 (MANE Select); coding-DNA position 2560, G replaced by C.
Protein change: p.Glu854Gln; replaces glutamic acid 854 with glutamine.
Molecular consequence: missense variant.
Genome position (GRCh38, 1-based): chr20:8,757,082, G>C. VCF-style: chr20-8757082-G-C. GRCh37 (hg19) VCF-style: chr20-8737729-G-C.
Other names: c.2560G>C, p.Glu854Gln (NM_182734.3); short protein forms E854Q.
Identifiers: ClinVar variation 1346249 (VCV001346249.6), dbSNP rs1227346164, ClinGen allele CA408207011.